The following is an entry in ClinVar:

NM_005045.4(RELN):c.7648A>G (p.Met2550Val)

Gene: RELN (reelin; minus strand). Cytogenetic location: 7q22.1.
Variant type: single nucleotide variant.
Coding change: c.7648A>G on transcript NM_005045.4 (MANE Select); coding-DNA position 7648, A replaced by G.
Protein change: p.Met2550Val; replaces methionine 2550 with valine.
Molecular consequence: missense variant.
Genome position (GRCh38, 1-based): chr7:103,522,042, T>C on the plus strand (A>G on the coding strand, the complement: RELN is on the minus strand). VCF-style: chr7-103522042-T-C. GRCh37 (hg19) VCF-style: chr7-103162489-T-C.
Other names: c.7648A>G, p.Met2550Val (NM_173054.3); short protein forms M2550V.
Identifiers: ClinVar variation 851861 (VCV000851861.9), dbSNP rs1829719853, ClinGen allele CA368766608.

ClinVar aggregate classification (germline): Uncertain significance (1 of 4 stars; one submission).

Conditions:
Familial temporal lobe epilepsy 7. Identifiers: Orphanet 101046, MedGen C4225327, MONDO:0014639, OMIM 616436.
Norman-Roberts syndrome (LIS2). Also called: Lissencephaly 2 (Norman-Roberts type). Identifiers: Orphanet 89844, MedGen C0796089, MONDO:0009760, OMIM 257320.

Allele frequency attached by ClinVar (database versions not stated): gnomAD exomes below 0.00001.
gnomAD v4.1: 3 of 1,614,010 alleles (0.00019%); highest among the groups gnomAD compares: Non-Finnish European, 0.000085%; no homozygotes.

Submission:

Labcorp Genetics (formerly Invitae), Labcorp
Classification: Uncertain significance for Familial temporal lobe epilepsy 7; Norman-Roberts syndrome. Last evaluated: 2025-04-19. Review status: criteria provided, single submitter. Criteria: Invitae Variant Classification Sherloc (09022015). Collection method: clinical testing. Allele origin: germline.
Comment: This sequence change replaces methionine, which is neutral and non-polar, with valine, which is neutral and non-polar, at codon 2550 of the RELN protein (p.Met2550Val). This variant is not present in population databases (gnomAD no frequency). This variant has not been reported in the literature in individuals affected with RELN-related conditions. ClinVar contains an entry for this variant (Variation ID: 851861). Invitae Evidence Modeling of protein sequence and biophysical properties (such as structural, functional, and spatial information, amino acid conservation, physicochemical variation, residue mobility, and thermodynamic stability) indicates that this missense variant is not expected to disrupt RELN protein function with a negative predictive value of 80%. In summary, the available evidence is currently insufficient to determine the role of this variant in disease. Therefore, it has been classified as a Variant of Uncertain Significance.